The following is an entry in ClinVar:

NM_001064.4(TKT):c.959C>T (p.Ala320Val)

Gene: TKT (transketolase; minus strand). Cytogenetic location: 3p21.1.
Variant type: single nucleotide variant.
Coding change: c.959C>T on transcript NM_001064.4 (MANE Select); coding-DNA position 959, C replaced by T.
Protein change: p.Ala320Val; replaces alanine 320 with valine.
Molecular consequence: missense variant. On other transcripts: non-coding transcript variant (1).
Genome position (GRCh38, 1-based): chr3:53,230,605, G>A on the plus strand (C>T on the coding strand, the complement: TKT is on the minus strand). VCF-style: chr3-53230605-G-A. GRCh37 (hg19) VCF-style: chr3-53264621-G-A.
Other names: c.959C>T, p.Ala320Val (NM_001135055.3); c.983C>T, p.Ala328Val (NM_001258028.2); short protein forms A320V, A328V.
Identifiers: ClinVar variation 5006662 (VCV005006662.2).
Genomic context (GRCh38, chr3:53,230,605, plus strand): 5'-CCATCCAGGGCGATGATGCGGTCACTGGCATGGCCCAGCTTGGCCAGTGCCTGCCCGTAG[G>A]CCTTGCGGGTGGCTATCTGTGAGGAAGAGAGTGGGAAGGCTCTGGACCCCTCTGAGGGTG-3'
Protein context (NP_001055.1, residues 310-330): KVGDKIATRK[Ala320Val]YGQALAKLGH

ClinVar aggregate classification (germline): Uncertain significance (1 of 4 stars; one submission).

Conditions:
Transketolase deficiency. Also called: Short stature, developmental delay, and congenital heart defects. Identifiers: Orphanet 488618, MedGen C5700245, MONDO:0014881, OMIM 617044.

gnomAD v4.1: 9 of 1,614,226 alleles (0.00056%); highest among the groups gnomAD compares: East Asian, 0.018%; no homozygotes.

Submission:

Juno Genomics, Hangzhou Juno Genomics, Inc
Classification: Uncertain significance for Transketolase deficiency. Review status: criteria provided, single submitter. Criteria: ACMG Guidelines, 2015. Collection method: clinical testing. Allele origin: germline.
Comment: Absent from controls (or at extremely low frequency if recessive) in Genome Aggregation Database.;Multiple lines of computational evidence support a deleterious effect on the gene or gene product.